The following is an entry in ClinVar:

NM_003244.4(TGIF1):c.808C>T (p.Leu270Phe)

Gene: TGIF1 (TGFB induced factor homeobox 1; plus strand). Cytogenetic location: 18p11.31.
Variant type: single nucleotide variant.
Coding change: c.808C>T on transcript NM_003244.4 (MANE Select); coding-DNA position 808, C replaced by T.
Protein change: p.Leu270Phe; replaces leucine 270 with phenylalanine.
Molecular consequence: missense variant.
Genome position (GRCh38, 1-based): chr18:3,457,929, C>T. VCF-style: chr18-3457929-C-T. GRCh37 (hg19) VCF-style: chr18-3457927-C-T.
Other names: c.817C>T, p.Leu273Phe (NM_001278682.2); c.808C>T, p.Leu270Phe (NM_001278684.2, NM_173208.3); c.748C>T, p.Leu250Phe (NM_001278686.3, NM_001374396.1, NM_001374397.1 and 5 more transcripts); c.850C>T, p.Leu284Phe (NM_173207.4); short protein forms L270F, L273F, L250F, L284F.
Identifiers: ClinVar variation 2724944 (VCV002724944.3), dbSNP rs983673753, ClinGen allele CA295567466.

ClinVar aggregate classification (germline): Uncertain significance (1 of 4 stars; one submission).

Conditions:
Holoprosencephaly 4 (HPE4). Identifiers: Orphanet 2162, MedGen C1840528, MONDO:0007734, OMIM 142946.

Allele frequency attached by ClinVar (database versions not stated): gnomAD exomes below 0.00001; gnomAD 0.00002; TOPMed 0.00003.
gnomAD v4.1: 10 of 1,600,210 alleles (0.00062%); highest among the groups gnomAD compares: African/African-American, 0.004%; no homozygotes.

Submission:

Labcorp Genetics (formerly Invitae), Labcorp
Classification: Uncertain significance for Holoprosencephaly 4. Last evaluated: 2024-07-22. Review status: criteria provided, single submitter. Criteria: Invitae Variant Classification Sherloc (09022015). Collection method: clinical testing. Allele origin: germline.
Comment: This sequence change replaces leucine, which is neutral and non-polar, with phenylalanine, which is neutral and non-polar, at codon 270 of the TGIF1 protein (p.Leu270Phe). This variant is present in population databases (no rsID available, gnomAD 0.01%). This variant has not been reported in the literature in individuals affected with TGIF1-related conditions. An algorithm developed to predict the effect of missense changes on protein structure and function (PolyPhen-2) suggests that this variant is likely to be disruptive. In summary, the available evidence is currently insufficient to determine the role of this variant in disease. Therefore, it has been classified as a Variant of Uncertain Significance.